The following is an entry in ClinVar:

ClinVar aggregate classification (germline): Benign/Likely benign. Review status: criteria provided, multiple submitters, no conflicts (2 of 4 stars). 4 submissions from 4 submitters: Benign (1); Likely benign (2). 1 of the submissions does not count toward it. Last evaluated 2025-06-19.

Conditions:
KRT10-related disorder. Also called: KRT10-related condition.

Allele frequency attached by ClinVar (database versions not stated): ExAC 0.00138; 1000 Genomes Project 0.00140; gnomAD 0.00150 and 0.00159; gnomAD exomes 0.00150; 1000 Genomes Project 30x 0.00156; ESP Exome Variant Server 0.00169; TOPMed 0.00170.
gnomAD v4.1: 3,839 of 1,596,112 alleles (0.24%); highest among the groups gnomAD compares: Non-Finnish European, 0.3%; 10 homozygotes.

Submissions (4):

Labcorp Genetics (formerly Invitae), Labcorp
Classification: Benign. Last evaluated: 2025-06-19. Review status: criteria provided, single submitter. Criteria: Invitae Variant Classification Sherloc (09022015). Collection method: clinical testing. Allele origin: germline.

CeGaT Center for Human Genetics Tuebingen
Classification: Likely benign. Last evaluated: 2022-05-01. Review status: criteria provided, single submitter. Criteria: CeGaT Center For Human Genetics Tuebingen Variant Classification Criteria Version 2. Collection method: clinical testing. Allele origin: germline. Affected: yes. Observed: 2 variant alleles.
Comment: KRT10: BP4, BS2

Breakthrough Genomics
Classification: Likely benign. Review status: criteria provided, single submitter. Criteria: ACMG Guidelines, 2015. Collection method: not provided. Allele origin: germline. Inheritance: Autosomal dominant inheritance. Affected: yes.

PreventionGenetics, part of Exact Sciences
Classification: Likely benign for KRT10-related condition. Last evaluated: 2021-08-24. Review status: no assertion criteria provided. Collection method: clinical testing. Allele origin: germline. Not counted in ClinVar's aggregate classification.
Comment: This variant is classified as likely benign based on ACMG/AMP sequence variant interpretation guidelines (Richards et al. 2015 PMID: 25741868, with internal and published modifications).

NM_000421.5(KRT10):c.257G>A (p.Arg86His)

Genes: KRT10-AS1 (KRT10 antisense RNA 1; plus strand), KRT10 (keratin 10; minus strand). Cytogenetic location: 17q21.2.
Variant type: single nucleotide variant.
Coding change: c.257G>A on transcript NM_000421.5 (MANE Select); coding-DNA position 257, G replaced by A.
Protein change: p.Arg86His; replaces arginine 86 with histidine.
Molecular consequence: missense variant.
Genome position (GRCh38, 1-based): chr17:40,822,329, C>T on the plus strand (G>A on the coding strand, the complement: KRT10 is on the minus strand). VCF-style: chr17-40822329-C-T. GRCh37 (hg19) VCF-style: chr17-38978581-C-T.
Other names: c.257G>A, p.Arg86His (NM_001379366.1); c.257G>A (NM_000421.3); short protein forms R86H.
Identifiers: ClinVar variation 1013387 (VCV001013387.44), dbSNP rs117610737, ClinGen allele CA8548329.
Genomic context (GRCh38, chr17:40,822,329, plus strand): 5'-CTGCCCCCTCCAAAGATGCCTCCATAACTCCCACCAAAGCTGCTACTTCCATAGCTTCCA[C>T]GAAAGCTACCTCCACCAAAACCTCCTAATCCTCCATAGCCACCTGATGAGCCCCCAAAGC-3'
Protein context (NP_000412.4, residues 76-96): GLGGFGGGSF[Arg86His]GSYGSSSFGG